The following is an entry in ClinVar:

NM_006648.4(WNK2):c.4589C>G (p.Ala1530Gly)

Gene: WNK2 (WNK lysine deficient protein kinase 2; plus strand). Cytogenetic location: 9q22.31.
Variant type: single nucleotide variant.
Coding change: c.4589C>G on transcript NM_006648.4 (MANE Select); coding-DNA position 4589, C replaced by G.
Protein change: p.Ala1530Gly; replaces alanine 1530 with glycine.
Molecular consequence: missense variant.
Genome position (GRCh38, 1-based): chr9:93,289,343, C>G. VCF-style: chr9-93289343-C-G. GRCh37 (hg19) VCF-style: chr9-96051625-C-G.
Other names: c.4700C>G, p.Ala1567Gly (NM_001282394.3); short protein forms A1567G, A1530G.
Identifiers: ClinVar variation 3470324 (VCV003470324.1).

ClinVar aggregate classification (germline): Uncertain significance (1 of 4 stars; one submission).

Submission:

Ambry Genetics
Classification: Uncertain significance. Last evaluated: 2024-11-22. Review status: criteria provided, single submitter. Criteria: Ambry Variant Classification Scheme 2023. Collection method: clinical testing. Allele origin: germline.
Comment: The p.A1530G variant (also known as c.4589C>G), located in coding exon 19 of the WNK2 gene, results from a C to G substitution at nucleotide position 4589. The alanine at codon 1530 is replaced by glycine, an amino acid with similar properties. This amino acid position is conserved. In addition, this alteration is predicted to be tolerated by in silico analysis. Based on the available evidence, the clinical significance of this variant remains unclear.